The following is an entry in ClinVar:

NM_002485.5(NBN):c.1245T>G (p.Ser415Arg)

Gene: NBN (nibrin; minus strand). Cytogenetic location: 8q21.3.
Variant type: single nucleotide variant.
Coding change: c.1245T>G on transcript NM_002485.5 (MANE Select); coding-DNA position 1245, T replaced by G.
Protein change: p.Ser415Arg; replaces serine 415 with arginine.
Molecular consequence: missense variant.
Genome position (GRCh38, 1-based): chr8:89,955,435, A>C on the plus strand (T>G on the coding strand, the complement: NBN is on the minus strand). VCF-style: chr8-89955435-A-C. GRCh37 (hg19) VCF-style: chr8-90967663-A-C.
Other names: c.999T>G, p.Ser333Arg (NM_001024688.3); short protein forms S333R, S415R.
Identifiers: ClinVar variation 1019475 (VCV001019475.2), dbSNP rs776180689, ClinGen allele CA4802775.

ClinVar aggregate classification (germline): Uncertain significance (1 of 4 stars; one submission).

Conditions:
Microcephaly, normal intelligence and immunodeficiency (NBS). Also called: BERLIN BREAKAGE SYNDROME; Immunodeficiency, microcephaly with normal intelligence; Nijmegen breakage syndrome; Microcephaly with normal intelligence immunodeficiency and lymphoreticular malignancies; Nonsyndromal microcephaly autosomal recessive with normal intelligence; Seemanova syndrome 2. Identifiers: Orphanet 647, MedGen C0398791, MONDO:0009623, OMIM 251260.

gnomAD v4.1: 3 of 1,613,870 alleles (0.00019%); highest among the groups gnomAD compares: South Asian, 0.0033%; 1 homozygote.

Submission:

Labcorp Genetics (formerly Invitae), Labcorp
Classification: Uncertain significance for Microcephaly, normal intelligence and immunodeficiency. Last evaluated: 2022-01-12. Review status: criteria provided, single submitter. Criteria: Invitae Variant Classification Sherloc (09022015). Collection method: clinical testing. Allele origin: germline.
Comment: This sequence change replaces serine, which is neutral and polar, with arginine, which is basic and polar, at codon 415 of the NBN protein (p.Ser415Arg). This variant is present in population databases (rs776180689, gnomAD 0.003%). This variant has not been reported in the literature in individuals affected with NBN-related conditions. ClinVar contains an entry for this variant (Variation ID: 1019475). Algorithms developed to predict the effect of missense changes on protein structure and function (SIFT, PolyPhen-2, Align-GVGD) all suggest that this variant is likely to be tolerated. In summary, the available evidence is currently insufficient to determine the role of this variant in disease. Therefore, it has been classified as a Variant of Uncertain Significance.